The following is an entry in ClinVar:

NM_000051.4(ATM):c.2510C>G (p.Ser837Ter)

Gene: ATM (ATM serine/threonine kinase; plus strand). Cytogenetic location: 11q22.3.
Variant type: single nucleotide variant.
Coding change: c.2510C>G on transcript NM_000051.4 (MANE Select); coding-DNA position 2510, C replaced by G.
Protein change: p.Ser837Ter; replaces serine 837 with a stop codon.
Molecular consequence: nonsense.
Genome position (GRCh38, 1-based): chr11:108,267,214, C>G. VCF-style: chr11-108267214-C-G. GRCh37 (hg19) VCF-style: chr11-108137941-C-G.
Other names: c.2510C>G, p.Ser837Ter (NM_001351834.2); short protein forms S837*.
Identifiers: ClinVar variation 1375138 (VCV001375138.9), dbSNP rs2081303434, ClinGen allele CA382543392.
Genomic context (GRCh38, chr11:108,267,214, plus strand): 5'-GTTTCTCTTCCTTGAAGGCATCCTTCATCAAAAAGCCATTTGACCGTGGAGAAGTAGAAT[C>G]AATGGAAGATGATACTAATGGAAATCTAATGGAGGTGGAGGATCAGTCATCCATGAATCT-3'

ClinVar aggregate classification (germline): Pathogenic/Likely pathogenic. Review status: criteria provided, multiple submitters, no conflicts (2 of 4 stars). 4 submissions from 4 submitters: Pathogenic (3); Likely pathogenic (1). Last evaluated 2024-01-18.

Conditions:
Familial cancer of breast. Also called: Hereditary breast cancer; BREAST CANCER, FAMILIAL; hereditary breast carcinoma. Identifiers: Orphanet 227535, MedGen C0346153, MONDO:0016419, OMIM 114480. Disease mechanism: loss of function.
Hereditary cancer-predisposing syndrome. Also called: Hereditary neoplastic syndrome; Hereditary Cancer Syndrome; Neoplastic Syndromes, Hereditary; Tumor predisposition. Identifiers: Orphanet 140162, MedGen C0027672, MeSH D009386, MONDO:0015356.
Ataxia-telangiectasia syndrome (AT). Also called: Cerebello-oculocutaneous telangiectasia; Immunodeficiency with ataxia telangiectasia; AT, COMPLEMENTATION GROUP C; Ataxia-telangiectasia, complementation group E; LOUIS-BAR SYNDROME; ATAXIA-TELANGIECTASIA, COMPLEMENTATION GROUP A. Identifiers: Orphanet 100, MedGen C0004135, MONDO:0008840, OMIM 208900.

Submissions (4):

Myriad Genetics, Inc.
Classification: Pathogenic for Familial cancer of breast. Last evaluated: 2024-01-18. Review status: criteria provided, single submitter. Criteria: Myriad Autosomal Dominant, Autosomal Recessive and X-Linked Classification Criteria (2023). Collection method: clinical testing. Allele origin: unknown.
Comment: This variant is considered pathogenic. This variant creates a termination codon and is predicted to result in premature protein truncation.

Baylor Genetics
Classification: Likely pathogenic for Familial cancer of breast. Last evaluated: 2023-01-27. Review status: criteria provided, single submitter. Criteria: ACMG Guidelines, 2015. Collection method: clinical testing. Allele origin: unknown.

Ambry Genetics
Classification: Pathogenic for Hereditary cancer-predisposing syndrome. Last evaluated: 2022-11-01. Review status: criteria provided, single submitter. Criteria: Ambry Variant Classification Scheme 2023. Collection method: clinical testing. Allele origin: germline.
Comment: The p.S837* pathogenic mutation (also known as c.2510C>G), located in coding exon 16 of the ATM gene, results from a C to G substitution at nucleotide position 2510. This changes the amino acid from a serine to a stop codon within coding exon 16. This alteration is expected to result in loss of function by premature protein truncation or nonsense-mediated mRNA decay. As such, this alteration is interpreted as a disease-causing mutation.

Labcorp Genetics (formerly Invitae), Labcorp
Classification: Pathogenic for Ataxia-telangiectasia syndrome. Last evaluated: 2021-04-02. Review status: criteria provided, single submitter. Criteria: Invitae Variant Classification Sherloc (09022015). Collection method: clinical testing. Allele origin: germline.
Comment: For these reasons, this variant has been classified as Pathogenic. This sequence change creates a premature translational stop signal (p.Ser837*) in the ATM gene. It is expected to result in an absent or disrupted protein product. Loss-of-function variants in ATM are known to be pathogenic (PMID: 23807571, 25614872). This variant is not present in population databases (ExAC no frequency). This variant has not been reported in the literature in individuals with ATM-related conditions.

Literature cited by the submitters: PubMed 23807571 (cited by Labcorp Genetics (formerly Invitae), Labcorp); PubMed 25614872 (cited by Labcorp Genetics (formerly Invitae), Labcorp).